The following is an entry in ClinVar:

NM_032119.4(ADGRV1):c.9255C>G (p.Phe3085Leu)

Gene: ADGRV1 (adhesion G protein-coupled receptor V1; plus strand). Cytogenetic location: 5q14.3.
Variant type: single nucleotide variant.
Coding change: c.9255C>G on transcript NM_032119.4 (MANE Select); coding-DNA position 9255, C replaced by G.
Protein change: p.Phe3085Leu; replaces phenylalanine 3085 with leucine.
Molecular consequence: missense variant. On other transcripts: non-coding transcript variant (1).
Genome position (GRCh38, 1-based): chr5:90,716,537, C>G. VCF-style: chr5-90716537-C-G. GRCh37 (hg19) VCF-style: chr5-90012354-C-G.
Other names: short protein forms F3085L.
Identifiers: ClinVar variation 163587 (VCV000163587.4), dbSNP rs727503077, ClinGen allele CA176203.

ClinVar aggregate classification (germline): Likely benign (1 of 4 stars; one submission).

gnomAD v4.1: 1 of 1,611,986 alleles (0.000062%); no homozygotes.

Submission:

Laboratory for Molecular Medicine, Mass General Brigham Personalized Medicine
Classification: Likely benign. Last evaluated: 2014-08-19. Review status: criteria provided, single submitter. Criteria: LMM Criteria. Collection method: clinical testing. Allele origin: germline. Observed: 1 variant allele.
Comment: Phe3085Leu in exon 43 of GPR98: This variant is not expected to have clinical s ignificance due to a lack of conservation across species, including mammals. Of note, guinea pig, chinchilla, flying fox, and megabat have a leucine (Leu) at t his position despite high nearby amino acid conservation. In addition, computati onal prediction tools do not suggest a high likelihood of impact to the protein.